The following is an entry in ClinVar:

ClinVar aggregate classification (germline): Likely benign (1 of 4 stars; one submission).

Allele frequency attached by ClinVar (database versions not stated): gnomAD exomes below 0.00001; gnomAD 0.00001; ExAC 0.00002.
gnomAD v4.1: 4 of 1,613,564 alleles (0.00025%); highest among the groups gnomAD compares: East Asian, 0.0022%; no homozygotes.

Submission:

CeGaT Center for Human Genetics Tuebingen
Classification: Likely benign. Last evaluated: 2023-08-01. Review status: criteria provided, single submitter. Criteria: CeGaT Center For Human Genetics Tuebingen Variant Classification Criteria Version 2. Collection method: clinical testing. Allele origin: germline. Affected: yes. Observed: 1 variant allele.
Comment: PAX7: BP4, BP7

NM_001135254.2(PAX7):c.342A>G (p.Val114=)

Gene: PAX7 (paired box 7; plus strand). Cytogenetic location: 1p36.13.
Variant type: single nucleotide variant.
Coding change: c.342A>G on transcript NM_001135254.2 (MANE Select); coding-DNA position 342, A replaced by G.
Protein change: p.Val114=; no amino-acid change (valine 114 retained).
Molecular consequence: synonymous variant.
Genome position (GRCh38, 1-based): chr1:18,635,131, A>G. VCF-style: chr1-18635131-A-G. GRCh37 (hg19) VCF-style: chr1-18961625-A-G.
Other names: c.342A>G, p.Val114= (NM_002584.3, NM_013945.3).
Identifiers: ClinVar variation 2638402 (VCV002638402.24), dbSNP rs765933792, ClinGen allele CA645644.